The following is an entry in ClinVar:

ClinVar aggregate classification (germline): Conflicting classifications of pathogenicity. Review status: criteria provided, conflicting classifications (1 of 4 stars). 2 submissions from 2 submitters: Likely pathogenic (1); Uncertain significance (1). Last evaluated 2025-07-09.

Conditions:
Megalencephaly-polymicrogyria-polydactyly-hydrocephalus syndrome 2 (MPPH2). Also called: MEGALENCEPHALY-POLYMICROGYRIA-POLYDACTYLY-HYDROCEPHALUS SYNDROME 2, SOMATIC. Identifiers: Orphanet 83473, MedGen C4014738, MONDO:0014407, OMIM 615937.

Submissions (2):

GeneDx
Classification: Uncertain significance. Last evaluated: 2025-07-09. Review status: criteria provided, single submitter. Criteria: GeneDx Variant Classification Process June 2021. Collection method: clinical testing. Allele origin: germline. Affected: yes.
Comment: Not observed at significant frequency in large population cohorts (gnomAD); In silico analysis supports that this missense variant has a deleterious effect on protein structure/function; Has not been previously published as pathogenic or benign to our knowledge

Labcorp Genetics (formerly Invitae), Labcorp
Classification: Likely pathogenic for Megalencephaly-polymicrogyria-polydactyly-hydrocephalus syndrome 2. Last evaluated: 2021-12-02. Review status: criteria provided, single submitter. Criteria: Invitae Variant Classification Sherloc (09022015). Collection method: clinical testing. Allele origin: germline.
Comment: This sequence change replaces asparagine, which is neutral and polar, with histidine, which is basic and polar, at codon 229 of the AKT3 protein (p.Asn229His). This variant is not present in population databases (gnomAD no frequency). This variant has not been reported in the literature in individuals affected with AKT3-related conditions. Advanced modeling of protein sequence and biophysical properties (such as structural, functional, and spatial information, amino acid conservation, physicochemical variation, residue mobility, and thermodynamic stability) performed at Invitae indicates that this missense variant is expected to disrupt AKT3 protein function. This variant disrupts the p.Asn229 amino acid residue in AKT3. Other variant(s) that disrupt this residue have been determined to be pathogenic (PMID: 22729224, 23745724). This suggests that this residue is clinically significant, and that variants that disrupt this residue are likely to be disease-causing. In summary, the currently available evidence indicates that the variant is pathogenic, but additional data are needed to prove that conclusively. Therefore, this variant has been classified as Likely Pathogenic.

Literature cited by the submitters: PubMed 22729224 (cited by Labcorp Genetics (formerly Invitae), Labcorp); PubMed 23745724 (cited by Labcorp Genetics (formerly Invitae), Labcorp).

NM_005465.7(AKT3):c.685A>C (p.Asn229His)

Gene: AKT3 (AKT serine/threonine kinase 3; minus strand). Cytogenetic location: 1q44.
Variant type: single nucleotide variant.
Coding change: c.685A>C on transcript NM_005465.7 (MANE Select); coding-DNA position 685, A replaced by C.
Protein change: p.Asn229His; replaces asparagine 229 with histidine.
Molecular consequence: missense variant.
Genome position (GRCh38, 1-based): chr1:243,613,682, T>G on the plus strand (A>C on the coding strand, the complement: AKT3 is on the minus strand). VCF-style: chr1-243613682-T-G. GRCh37 (hg19) VCF-style: chr1-243776984-T-G.
Other names: c.685A>C (NM_005465.4); c.685A>C, p.Asn229His (NM_001206729.2, NM_001370074.1, NM_181690.2); short protein forms N229H.
Identifiers: ClinVar variation 1518305 (VCV001518305.7), dbSNP rs530590989, ClinGen allele CA345668838.